The following is an entry in ClinVar:

NM_001110556.2(FLNA):c.3455C>T (p.Ala1152Val)

Gene: FLNA (filamin A; minus strand). Cytogenetic location: Xq28.
Variant type: single nucleotide variant.
Coding change: c.3455C>T on transcript NM_001110556.2 (MANE Select); coding-DNA position 3455, C replaced by T.
Protein change: p.Ala1152Val; replaces alanine 1152 with valine.
Molecular consequence: missense variant.
Genome position (GRCh38, 1-based): chrX:154,360,340, G>A on the plus strand (C>T on the coding strand, the complement: FLNA is on the minus strand). VCF-style: chrX-154360340-G-A. GRCh37 (hg19) VCF-style: chrX-153588708-G-A.
Other names: c.3455C>T, p.Ala1152Val (NM_001456.4); short protein forms A1152V.
Identifiers: ClinVar variation 533578 (VCV000533578.10), dbSNP rs1557177751, ClinGen allele CA415227390.
Genomic context (GRCh38, chrX:154,360,340, plus strand): 5'-CGCTCCAGCCCGGGGCCTGAGCACTTGACTTTGGATGCGTCAAAGCAGGGAACCACGTGG[G>A]CCTTGAATGGGGAGCCAGGGATGTGGGTGTCAGCGAAGAGGATGTTGATGTTGTAGTCCC-3'
Protein context (NP_001104026.1, residues 1142-1162): DTHIPGSPFK[Ala1152Val]HVVPCFDASK

ClinVar aggregate classification (germline): Uncertain significance (1 of 4 stars; one submission).

Conditions:
Melnick-Needles syndrome (MNS). Also called: MELNICK-NEEDLES OSTEODYSPLASTY; Melnick-Needles Syndrome (FLNA-MNS); OSTEODYSPLASTY OF MELNICK AND NEEDLES. Identifiers: Orphanet 2484, MedGen C0025237, MONDO:0010650, OMIM 309350.
Frontometaphyseal dysplasia (FMD1). Identifiers: Orphanet 1826, MedGen C0265293, MONDO:0015942.
Heterotopia, periventricular, X-linked dominant (PVNH1). Also called: PERIVENTRICULAR NODULAR HETEROTOPIA 4; HETEROTOPIA, PERIVENTRICULAR, 1; PERIVENTRICULAR NODULAR HETEROTOPIA 1; X-linked periventricular heterotopia. Identifiers: Orphanet 2149, Orphanet 82004, MedGen C1848213, MONDO:0010233, OMIM 300049.
Oto-palato-digital syndrome, type II (OPD2). Also called: Otopalatodigital Syndrome Type 2 (FLNA-OPD2); FACIOPALATOOSSEOUS SYNDROME; OPD II SYNDROME; Otopalatodigital Syndrome, Type II. Identifiers: Orphanet 669, Orphanet 90652, MedGen C1844696, MONDO:0010571, OMIM 304120.

Submission:

Labcorp Genetics (formerly Invitae), Labcorp
Classification: Uncertain significance for Oto-palato-digital syndrome, type II; Heterotopia, periventricular, X-linked dominant; Frontometaphyseal dysplasia; Melnick-Needles syndrome. Last evaluated: 2017-11-27. Review status: criteria provided, single submitter. Criteria: Invitae Variant Classification Sherloc (09022015). Collection method: clinical testing. Allele origin: germline.
Comment: This sequence change replaces alanine with valine at codon 1152 of the FLNA protein (p.Ala1152Val). The alanine residue is highly conserved and there is a small physicochemical difference between alanine and valine. This variant is not present in population databases (ExAC no frequency). This variant has not been reported in the literature in individuals with FLNA-related disease. Algorithms developed to predict the effect of missense changes on protein structure and function do not agree on the potential impact of this missense change (SIFT: "Deleterious"; PolyPhen-2: "Benign"; Align-GVGD: "Class C0"). In summary, the available evidence is currently insufficient to determine the role of this variant in disease. Therefore, it has been classified as a Variant of Uncertain Significance.